The following is an entry in ClinVar:

NM_014861.4(ATP2C2):c.171G>C (p.Ala57=)

Gene: ATP2C2 (ATPase secretory pathway Ca2+ transporting 2; plus strand). Cytogenetic location: 16q24.1.
Variant type: single nucleotide variant.
Coding change: c.171G>C on transcript NM_014861.4 (MANE Select); coding-DNA position 171, G replaced by C.
Protein change: p.Ala57=; no amino-acid change (alanine 57 retained).
Molecular consequence: synonymous variant.
Genome position (GRCh38, 1-based): chr16:84,398,570, G>C. VCF-style: chr16-84398570-G-C. GRCh37 (hg19) VCF-style: chr16-84432176-G-C.
Other names: c.171G>C, p.Ala57= (NM_001286527.3).
Identifiers: ClinVar variation 790327 (VCV000790327.5), dbSNP rs4782948, ClinGen allele CA8206403.

ClinVar aggregate classification (germline): Likely benign. Review status: criteria provided, single submitter (1 of 4 stars). 2 submissions from 2 submitters: Likely benign (1). 1 of the submissions does not count toward it. Last evaluated 2018-10-30.

Conditions:
ATP2C2-related disorder. Also called: ATP2C2-related condition.

Allele frequency attached by ClinVar (database versions not stated): TOPMed 0.00008.
gnomAD v4.1: 189 of 1,612,954 alleles (0.012%); highest among the groups gnomAD compares: Non-Finnish European, 0.015%; no homozygotes.

Submissions (2):

Labcorp Genetics (formerly Invitae), Labcorp
Classification: Likely benign. Last evaluated: 2018-10-30. Review status: criteria provided, single submitter. Criteria: Invitae Variant Classification Sherloc (09022015). Collection method: clinical testing. Allele origin: germline.

PreventionGenetics, part of Exact Sciences
Classification: Likely benign for ATP2C2-related condition. Last evaluated: 2019-04-08. Review status: no assertion criteria provided. Collection method: clinical testing. Allele origin: germline. Not counted in ClinVar's aggregate classification.
Comment: This variant is classified as likely benign based on ACMG/AMP sequence variant interpretation guidelines (Richards et al. 2015 PMID: 25741868, with internal and published modifications).